The following is an entry in ClinVar:

NM_015693.4(INTU):c.1450-6A>G

Gene: INTU (inturned planar cell polarity protein; plus strand). Cytogenetic location: 4q28.1.
Variant type: single nucleotide variant.
Coding change: c.1450-6A>G on transcript NM_015693.4 (MANE Select); 6 bases into the intron before coding-DNA position 1450, A replaced by G.
Molecular consequence: intron variant.
Genome position (GRCh38, 1-based): chr4:127,700,004, A>G. VCF-style: chr4-127700004-A-G. GRCh37 (hg19) VCF-style: chr4-128621159-A-G.
Identifiers: ClinVar variation 2802900 (VCV002802900.3), dbSNP rs76511723, ClinGen allele CA1067847026.

ClinVar aggregate classification (germline): Uncertain significance (1 of 4 stars; one submission).

Allele frequency attached by ClinVar (database versions not stated): gnomAD 0.00001.
gnomAD v4.1: 4 of 1,567,742 alleles (0.00026%); highest among the groups gnomAD compares: Admixed American, 0.002%; no homozygotes.

Submission:

Labcorp Genetics (formerly Invitae), Labcorp
Classification: Uncertain significance. Last evaluated: 2023-07-06. Review status: criteria provided, single submitter. Criteria: Invitae Variant Classification Sherloc (09022015). Collection method: clinical testing. Allele origin: germline.
Comment: This variant is not present in population databases (gnomAD no frequency). This variant has not been reported in the literature in individuals affected with INTU-related conditions. Algorithms developed to predict the effect of sequence changes on RNA splicing suggest that this variant may disrupt the consensus splice site. In summary, the available evidence is currently insufficient to determine the role of this variant in disease. Therefore, it has been classified as a Variant of Uncertain Significance. This sequence change falls in intron 8 of the INTU gene. It does not directly change the encoded amino acid sequence of the INTU protein.